The following is an entry in ClinVar:

NM_005732.4(RAD50):c.1373A>G (p.Lys458Arg)

Gene: RAD50 (RAD50 double strand break repair protein; plus strand). Cytogenetic location: 5q31.1.
Variant type: single nucleotide variant.
Coding change: c.1373A>G on transcript NM_005732.4 (MANE Select); coding-DNA position 1373, A replaced by G.
Protein change: p.Lys458Arg; replaces lysine 458 with arginine.
Molecular consequence: missense variant.
Genome position (GRCh38, 1-based): chr5:132,589,758, A>G. VCF-style: chr5-132589758-A-G. GRCh37 (hg19) VCF-style: chr5-131925450-A-G.
Other names: short protein forms K458R.
Identifiers: ClinVar variation 4862842 (VCV004862842.1).

ClinVar aggregate classification (germline): Uncertain significance (1 of 4 stars; one submission).

Conditions:
Hereditary cancer-predisposing syndrome. Also called: Neoplastic Syndromes, Hereditary; Tumor predisposition; Hereditary Cancer Syndrome; Hereditary neoplastic syndrome. Identifiers: Orphanet 140162, MedGen C0027672, MeSH D009386, MONDO:0015356.

gnomAD v4.1: 1 of 1,613,810 alleles (0.000062%); highest among the groups gnomAD compares: African/African-American, 0.0013%; no homozygotes.

Submission:

Ambry Genetics
Classification: Uncertain significance for Hereditary cancer-predisposing syndrome. Last evaluated: 2026-04-23. Review status: criteria provided, single submitter. Criteria: Ambry Variant Classification Scheme 2023. Collection method: clinical testing. Allele origin: germline.
Comment: The p.K458R variant (also known as c.1373A>G), located in coding exon 9 of the RAD50 gene, results from an A to G substitution at nucleotide position 1373. The lysine at codon 458 is replaced by arginine, an amino acid with highly similar properties. This amino acid position is conserved. In addition, this alteration is predicted to be tolerated by in silico analysis. Based on the available evidence, the clinical significance of this variant remains unclear.